The following is an entry in ClinVar:

NM_007194.4:c.(1008+1_1009-1)_(1095+1_1096-1)del

Gene: CHEK2 (checkpoint kinase 2; minus strand).
Variant type: Deletion.
Other names: c.(1008+1_1009-1)_(1095+1_1096-1)del (NM_007194.4).
Identifiers: ClinVar variation 4890851 (VCV004890851.1).

ClinVar aggregate classification (germline): Likely pathogenic (1 of 4 stars; one submission).

Conditions:
CHEK2-related cancer predisposition (TPDS4). Also called: CHEK2-related cancer susceptibility; TUMOR PREDISPOSITION SYNDROME 4; CANCER PREDISPOSITION SYNDROME, CHEK2-RELATED. Identifiers: Orphanet 524, MedGen C5882668, MONDO:0700271, OMIM 609265.

Submission:

Regional Center For Medical Genetics Timis, Louis Turcanu Emergency Hospital for Children Timisoara
Classification: Likely pathogenic for CHEK2-related cancer predisposition. Last evaluated: 2026-09-09. Review status: criteria provided, single submitter. Criteria: ACMG Guidelines, 2015. Collection method: clinical testing. Allele origin: germline. Affected: yes. Observed: 1 variant allele, 1 heterozygote.
Comment: This variant results in the deletion of exon 10 of the CHEK2 gene, identified by NGS copy-number analysis and confirmed by MLPA. Exact breakpoints were not determined. The deletion is predicted to be in-frame, resulting in an internal deletion of 29 amino acid residues, p.(Tyr337_Leu365del). The deleted region lies within the serine/threonine kinase domain of CHEK2 and includes the catalytic aspartate D347 of the HRD motif, which is essential for kinase activity. Loss of function is an established mechanism of disease for CHEK2. Multi-exon deletions involving this region, including exons 10-12, exons 10-14 and exons 10-15, have been reported as pathogenic or likely pathogenic in ClinVar. This variant is rarely reported in gnomAD SV. Therefore, this variant is classified as Likely Pathogenic.